The following is an entry in ClinVar:

ClinVar aggregate classification (germline): Likely pathogenic. Review status: criteria provided, single submitter (1 of 4 stars). 2 submissions from 2 submitters: Likely pathogenic (1). 1 of the submissions does not count toward it. Last evaluated 2022-09-01.

Conditions:
Hypercholanemia, familial, 2. Also called: NTCP deficiency. Identifiers: MedGen C5543243, MONDO:0031003, OMIM 619256. Disease mechanism: loss of function.
SLC10A1-related disorder. Also called: SLC10A1-related condition.

Submissions (2):

3billion
Classification: Likely pathogenic for Hypercholanemia, familial, 2. Last evaluated: 2022-09-01. Review status: criteria provided, single submitter. Criteria: ACMG Guidelines, 2015. Collection method: clinical testing. Allele origin: germline. Affected: yes. Observed: 1 heterozygote.
Comment: The variant is not observed in the gnomAD v2.1.1 dataset. It is predicted to result in a loss or disruption of normal protein function through nonsense-mediated decay (NMD) or protein truncation. Therefore, this variant is classified as Likely pathogenic according to the recommendation of ACMG/AMP guideline.

PreventionGenetics, part of Exact Sciences
Classification: Uncertain significance for SLC10A1-related condition. Last evaluated: 2024-03-06. Review status: no assertion criteria provided. Collection method: clinical testing. Allele origin: germline. Not counted in ClinVar's aggregate classification.
Comment: The SLC10A1 c.713_717del5 variant is predicted to result in a frameshift and premature protein termination (p.Tyr238Serfs*38). To our knowledge, this variant has not been reported in the literature or in a large population database, indicating this variant is rare. To our knowledge, no protein-truncating variants in this gene have been reported 3' of this position in association with disease (Human Gene Mutation Database). Although we suspect that this variant may be pathogenic, at this time, the clinical significance of this variant is uncertain due to the absence of conclusive functional and genetic evidence.

NM_003049.4(SLC10A1):c.713_717del (p.Tyr238fs)

Gene: SLC10A1 (solute carrier family 10 member 1; minus strand). Cytogenetic location: 14q24.1.
Variant type: Deletion.
Coding change: c.713_717del on transcript NM_003049.4 (MANE Select); coding-DNA positions 713 to 717, 5 bases deleted (ATGTT; older notation c.713_717delATGTT).
Protein change: p.Tyr238fs; shifts the reading frame from tyrosine 238.
Molecular consequence: frameshift variant.
Genome position (GRCh38, 1-based): chr14:69,779,211-69,779,215, AACAT deleted on the plus strand (ATGTT on the coding strand, the reverse complement: SLC10A1 is on the minus strand); deleting any 5 consecutive bases within chr14:69,779,211-69,779,218 gives the same sequence; the c. name uses the placement nearest the transcript's 3' end. VCF-style (leftmost placement, unchanged base first): chr14-69779210-GAACAT-G. GRCh37 (hg19) VCF-style: chr14-70245927-GAACAT-G.
Other names: c.713_717del5 (NM_003049.3); short protein forms Y238fs.
Identifiers: ClinVar variation 1705419 (VCV001705419.2), dbSNP rs2503021993, ClinGen allele CA2580088688.